The following is an entry in ClinVar:

NM_152296.5(ATP1A3):c.2819+9C>T

Gene: ATP1A3 (ATPase Na+/K+ transporting subunit alpha 3; minus strand). Cytogenetic location: 19q13.2.
Variant type: single nucleotide variant.
Coding change: c.2819+9C>T on transcript NM_152296.5 (MANE Select); 9 bases into the intron after coding-DNA position 2819, C replaced by T.
Molecular consequence: intron variant.
Genome position (GRCh38, 1-based): chr19:41,968,776, G>A on the plus strand (C>T on the coding strand, the complement: ATP1A3 is on the minus strand). VCF-style: chr19-41968776-G-A. GRCh37 (hg19) VCF-style: chr19-42472928-G-A.
Other names: c.2858+9C>T (NM_001256214.2, NM_001256214.1); c.2852+9C>T (NM_001256213.2).
Identifiers: ClinVar variation 1095928 (VCV001095928.10), dbSNP rs976302465, ClinGen allele CA308585318.

ClinVar aggregate classification (germline): Likely benign. Review status: criteria provided, multiple submitters, no conflicts (2 of 4 stars). 2 submissions from 2 submitters: Likely benign (2). Last evaluated 2026-06-01.

Conditions:
ATP1A3-related disorder. Also called: ATP1A3-related disorders; ATP1A3-related condition. Identifiers: MedGen CN381097.
Dystonia 12 (DYT12). Also called: Rapid-Onset Dystonia-Parkinsonism (RDP); DYT-ATP1A3. Identifiers: Orphanet 71517, MedGen C1868681, MONDO:0007496, OMIM 128235.

Allele frequency attached by ClinVar (database versions not stated): gnomAD exomes 0.00001; TOPMed 0.00001.
gnomAD v4.1: 27 of 1,613,812 alleles (0.0017%); highest among the groups gnomAD compares: Middle Eastern, 0.017%; no homozygotes.

Submissions (2):

PreventionGenetics, part of Exact Sciences
Classification: Likely benign for ATP1A3-related condition. Last evaluated: 2026-06-01. Review status: criteria provided, single submitter. Criteria: ACMG Guidelines, 2015. Collection method: clinical testing. Allele origin: germline.
Comment: This variant is classified as likely benign based on ACMG/AMP sequence variant interpretation guidelines (Richards et al. 2015 PMID: 25741868, with internal and published modifications).

Labcorp Genetics (formerly Invitae), Labcorp
Classification: Likely benign for Dystonia 12. Last evaluated: 2023-09-17. Review status: criteria provided, single submitter. Criteria: Invitae Variant Classification Sherloc (09022015). Collection method: clinical testing. Allele origin: germline.